The following is an entry in ClinVar:

ClinVar aggregate classification (germline): Uncertain significance (1 of 4 stars; one submission).

Conditions:
Familial thoracic aortic aneurysm and aortic dissection (TAAD). Also called: Thoracic aortic aneurysms and dissections. Identifiers: Orphanet 91387, MedGen C4707243, MONDO:0019625.

Submission:

Ambry Genetics
Classification: Uncertain significance for Familial thoracic aortic aneurysm and aortic dissection. Last evaluated: 2022-05-11. Review status: criteria provided, single submitter. Criteria: Ambry Variant Classification Scheme 2023. Collection method: clinical testing. Allele origin: germline.
Comment: The p.V590G variant (also known as c.1769T>G), located in coding exon 11 of the FLNA gene, results from a T to G substitution at nucleotide position 1769. The valine at codon 590 is replaced by glycine, an amino acid with dissimilar properties. This amino acid position is not well conserved in available vertebrate species. In addition, the in silico prediction for this alteration is inconclusive. Since supporting evidence is limited at this time, the clinical significance of this alteration remains unclear.

NM_001110556.2(FLNA):c.1769T>G (p.Val590Gly)

Gene: FLNA (filamin A; minus strand). Cytogenetic location: Xq28.
Variant type: single nucleotide variant.
Coding change: c.1769T>G on transcript NM_001110556.2 (MANE Select); coding-DNA position 1769, T replaced by G.
Protein change: p.Val590Gly; replaces valine 590 with glycine.
Molecular consequence: missense variant.
Genome position (GRCh38, 1-based): chrX:154,364,880, A>C on the plus strand (T>G on the coding strand, the complement: FLNA is on the minus strand). VCF-style: chrX-154364880-A-C. GRCh37 (hg19) VCF-style: chrX-153593248-A-C.
Other names: c.1769T>G, p.Val590Gly (NM_001456.4); short protein forms V590G.
Identifiers: ClinVar variation 1779741 (VCV001779741.2), dbSNP rs1351197959, ClinGen allele CA415242504.
Genomic context (GRCh38, chrX:154,364,880, plus strand): 5'-CCCAGCGTGCCCACGTCGTCCCCGATAGCCTCCACCACAAAGTCTGCTGACTTGCCAACG[A>C]CGCCGCCCTCCAGCCCAGGGCCCCAGGCCCGTACCTTCTGATTGCCACACTCGGTGCCCA-3'
Protein context (NP_001104026.1, residues 580-600): RAWGPGLEGG[Val590Gly]VGKSADFVVE